The following is an entry in ClinVar:

NM_024577.4(SH3TC2):c.3594A>C (p.Pro1198=)

Gene: SH3TC2 (SH3 domain and tetratricopeptide repeats 2; minus strand). Cytogenetic location: 5q32.
Variant type: single nucleotide variant.
Coding change: c.3594A>C on transcript NM_024577.4 (MANE Select); coding-DNA position 3594, A replaced by C.
Protein change: p.Pro1198=; no amino-acid change (proline 1198 retained).
Molecular consequence: synonymous variant.
Genome position (GRCh38, 1-based): chr5:149,006,962, T>G on the plus strand (A>C on the coding strand, the complement: SH3TC2 is on the minus strand). VCF-style: chr5-149006962-T-G. GRCh37 (hg19) VCF-style: chr5-148386525-T-G.
Other names: p.Pro1198=.
Identifiers: ClinVar variation 130299 (VCV000130299.29), dbSNP rs6871030, ClinGen allele CA155192.

ClinVar aggregate classification (germline): Benign/Likely benign. Review status: criteria provided, multiple submitters, no conflicts (2 of 4 stars). 13 submissions from 11 submitters: Benign (9); Likely benign (1). 3 of the submissions do not count toward it. Last evaluated 2026-02-04.

Conditions:
Charcot-Marie-Tooth disease. Also called: Charcot-Marie-Tooth Hereditary Neuropathy; Charcot-Marie-Tooth Neuropathy. Identifiers: Orphanet 166, MedGen C0007959, MONDO:0015626.
Charcot-Marie-Tooth disease type 4. Also called: Charcot-Marie-Tooth, Type 4; Charcot-Marie-Tooth disease, type IV. Identifiers: Orphanet 64749, MedGen C4082197, MONDO:0018995.
Susceptibility to mononeuropathy of the median nerve, mild. Also called: CARPAL TUNNEL SYNDROME, SUSCEPTIBILITY TO. Identifiers: MedGen C3150596, MONDO:0013237, OMIM 613353.
Charcot-Marie-Tooth disease type 4C (CMT4C). Also called: SH3TC2-Related Hereditary Motor and Sensory Neuropathy; Charcot-Marie-Tooth Neuropathy Type 4C (CMT4C); CHARCOT-MARIE-TOOTH DISEASE, DEMYELINATING, TYPE 4C; CHARCOT-MARIE-TOOTH DISEASE, DEMYELINATING, AUTOSOMAL RECESSIVE, TYPE 4C; CMT 4C. Identifiers: Orphanet 99949, MedGen C1866636, MONDO:0011113, OMIM 601596.

Allele frequency attached by ClinVar (database versions not stated): 1000 Genomes Project 0.38339; 1000 Genomes Project 30x 0.38398; ESP Exome Variant Server 0.45971.
gnomAD v4.1: 646,227 of 1,613,722 alleles (40%); highest among the groups gnomAD compares: South Asian, 47%; 131,447 homozygotes.

Submissions (13):

Labcorp Genetics (formerly Invitae), Labcorp
Classification: Benign for Charcot-Marie-Tooth disease type 4. Last evaluated: 2026-02-04. Review status: criteria provided, single submitter. Criteria: Invitae Variant Classification Sherloc (09022015). Collection method: clinical testing. Allele origin: germline.

Mayo Clinic Laboratories, Mayo Clinic
Classification: Benign. Last evaluated: 2025-11-07. Review status: criteria provided, single submitter. Criteria: ACMG Guidelines, 2015. Collection method: clinical testing. Allele origin: germline. Observed: 1,272 variant alleles.

Blueprint Genetics
Classification: Likely benign. Last evaluated: 2024-11-26. Review status: criteria provided, single submitter. Criteria: ACMG Guidelines, 2015. Collection method: clinical testing. Allele origin: germline.

Genome-Nilou Lab
Classification: Benign for Charcot-Marie-Tooth disease type 4C. Last evaluated: 2021-07-15. Review status: criteria provided, single submitter. Criteria: ACMG Guidelines, 2015. Collection method: clinical testing. Allele origin: germline. Affected: no.

Genome-Nilou Lab
Classification: Benign for Susceptibility to mononeuropathy of the median nerve, mild. Last evaluated: 2021-07-15. Review status: criteria provided, single submitter. Criteria: ACMG Guidelines, 2015. Collection method: clinical testing. Allele origin: germline. Affected: no.

Illumina Laboratory Services, Illumina
Classification: Benign for Charcot-Marie-Tooth disease type 4C. Last evaluated: 2018-01-12. Review status: criteria provided, single submitter. Criteria: ICSL Variant Classification Criteria 13 December 2019. Collection method: clinical testing. Allele origin: germline.
Comment: This variant was observed in the ICSL laboratory as part of a predisposition screen in an ostensibly healthy population. It had not been previously curated by ICSL or reported in the Human Gene Mutation Database (HGMD: prior to June 1st, 2018), and was therefore a candidate for classification through an automated scoring system. Utilizing variant allele frequency, disease prevalence and penetrance estimates, and inheritance mode, an automated score was calculated to assess if this variant is too frequent to cause the disease. Based on the score and internal cut-off values, a variant classified as benign is not then subjected to further curation. The score for this variant resulted in a classification of benign for this disease.

Illumina Laboratory Services, Illumina
Classification: Benign for Susceptibility to mononeuropathy of the median nerve, mild. Last evaluated: 2018-01-12. Review status: criteria provided, single submitter. Criteria: ICSL Variant Classification Criteria 13 December 2019. Collection method: clinical testing. Allele origin: germline.
Comment: the same text as in the submission from Illumina Laboratory Services, Illumina above.

GeneDx
Classification: Benign. Last evaluated: 2015-03-03. Review status: criteria provided, single submitter. Criteria: GeneDx Variant Classification Process June 2021. Collection method: clinical testing. Allele origin: germline. Affected: yes.

Molecular Genetics Laboratory, London Health Sciences Centre
Classification: Benign for Charcot-Marie-Tooth disease. Review status: criteria provided, single submitter. Criteria: ACMG Guidelines, 2015. Collection method: clinical testing. Allele origin: germline. Affected: yes.

PreventionGenetics, part of Exact Sciences
Classification: Benign. Review status: criteria provided, single submitter. Criteria: ACMG Guidelines, 2015. Collection method: clinical testing. Allele origin: germline.

Clinical Genetics, Academic Medical Center
Classification: Benign. Review status: no assertion criteria provided. Collection method: clinical testing. Allele origin: germline. Affected: yes. Study: VKGL Data-share Consensus. Not counted in ClinVar's aggregate classification.

Genetic Services Laboratory, University of Chicago
Classification: Likely benign for AllHighlyPenetrant. Review status: no assertion criteria provided. Collection method: clinical testing. Allele origin: germline. Not counted in ClinVar's aggregate classification.
Comment: Likely benign based on allele frequency in 1000 Genomes Project or ESP global frequency and its presence in a patient with a rare or unrelated disease phenotype. NOT Sanger confirmed.

Joint Genome Diagnostic Labs from Nijmegen and Maastricht, Radboudumc and MUMC+
Classification: Benign. Review status: no assertion criteria provided. Collection method: clinical testing. Allele origin: germline. Affected: yes. Study: VKGL Data-share Consensus. Not counted in ClinVar's aggregate classification.